The following is an entry in ClinVar:

NM_000530.8(MPZ):c.245A>G (p.Tyr82Cys)

Gene: MPZ (myelin protein zero; minus strand). Cytogenetic location: 1q23.3.
Variant type: single nucleotide variant.
Coding change: c.245A>G on transcript NM_000530.8 (MANE Select); coding-DNA position 245, A replaced by G.
Protein change: p.Tyr82Cys; replaces tyrosine 82 with cysteine.
Molecular consequence: missense variant.
Genome position (GRCh38, 1-based): chr1:161,306,911, T>C on the plus strand (A>G on the coding strand, the complement: MPZ is on the minus strand). VCF-style: chr1-161306911-T-C. GRCh37 (hg19) VCF-style: chr1-161276701-T-C.
Other names: c.245A>G (LRG_256t1); c.245A>G, p.Tyr82Cys (NM_001315491.2); short protein forms Y82C.
Identifiers: ClinVar variation 549681 (VCV000549681.34), dbSNP rs1553259707, ClinGen allele CA343350015.

ClinVar aggregate classification (germline): Pathogenic. Review status: criteria provided, multiple submitters, no conflicts (2 of 4 stars). 5 submissions from 5 submitters: Pathogenic (3). 2 of the submissions do not count toward it. Last evaluated 2025-06-29.

Conditions:
Charcot-Marie-Tooth disease. Also called: Charcot-Marie-Tooth Neuropathy; Charcot-Marie-Tooth Hereditary Neuropathy. Identifiers: Orphanet 166, MedGen C0007959, MONDO:0015626.
Charcot-Marie-Tooth disease, type I (CMT1). Also called: Charcot-Marie-Tooth disease type 1; Charcot-Marie-Tooth, Type 1. Identifiers: Orphanet 65753, MedGen C0751036, MONDO:0019011.
Charcot-Marie-Tooth disease type 2I (CMT2I). Also called: CHARCOT-MARIE-TOOTH DISEASE, AXONAL, TYPE 2I. Identifiers: Orphanet 99942, MedGen C3888087, MONDO:0011889, OMIM 607677.
Charcot-Marie-Tooth disease dominant intermediate D. Also called: CHARCOT-MARIE-TOOTH NEUROPATHY, DOMINANT INTERMEDIATE D; Charcot-Marie-Tooth disease dominant intermediate 3; CMT DI3. Identifiers: Orphanet 100046, MedGen C1843075, MONDO:0011909, OMIM 607791.

Submissions (5):

Labcorp Genetics (formerly Invitae), Labcorp
Classification: Pathogenic for Charcot-Marie-Tooth disease, type I. Last evaluated: 2025-06-29. Review status: criteria provided, single submitter. Criteria: Invitae Variant Classification Sherloc (09022015). Collection method: clinical testing. Allele origin: germline.
Comment: This sequence change replaces tyrosine, which is neutral and polar, with cysteine, which is neutral and slightly polar, at codon 82 of the MPZ protein (p.Tyr82Cys). This variant is not present in population databases (gnomAD no frequency). This missense change has been observed in individual(s) with Charcot-Marie-Tooth (CMT) disease type 1 and Déjérine-Sottas syndrome (PMID: 7505151, 9633821, 11545686, 11835375, 12402337, 26310628). In at least one individual the variant was observed to be de novo. ClinVar contains an entry for this variant (Variation ID: 549681). Invitae Evidence Modeling of protein sequence and biophysical properties (such as structural, functional, and spatial information, amino acid conservation, physicochemical variation, residue mobility, and thermodynamic stability) indicates that this missense variant is expected to disrupt MPZ protein function with a positive predictive value of 80%. This variant disrupts the p.Tyr82 amino acid residue in MPZ. Other variant(s) that disrupt this residue have been determined to be pathogenic (PMID: 7505151, 11545686, 11835375, 12402337, 26310628). This suggests that this residue is clinically significant, and that variants that disrupt this residue are likely to be disease-causing. For these reasons, this variant has been classified as Pathogenic.

Kariminejad - Najmabadi Pathology & Genetics Center
Classification: Pathogenic for Charcot-Marie-Tooth disease type 2I. Last evaluated: 2024-03-09. Review status: criteria provided, single submitter. Criteria: ACMG Guidelines, 2015. Collection method: clinical testing. Allele origin: germline. Inheritance: Autosomal dominant inheritance. Affected: yes.
Comment: Not Provided

Molecular Genetics Laboratory, London Health Sciences Centre
Classification: Pathogenic for Charcot-Marie-Tooth disease. Review status: criteria provided, single submitter. Criteria: ACMG Guidelines, 2015. Collection method: clinical testing. Allele origin: germline. Affected: yes.

Institute of Human Genetics, Cologne University
Classification: Pathogenic for Charcot-Marie-Tooth disease dominant intermediate D. Last evaluated: 2018-04-25. Review status: no assertion criteria provided. Collection method: clinical testing. Allele origin: de novo. Affected: yes. Not counted in ClinVar's aggregate classification.

Inherited Neuropathy Consortium
Classification: Uncertain significance for Charcot-Marie-Tooth disease. Review status: no assertion criteria provided. Collection method: literature only. Allele origin: germline. Affected: yes. Not counted in ClinVar's aggregate classification.

Literature cited by the submitters: PubMed 7505151 (cited by Labcorp Genetics (formerly Invitae), Labcorp and Inherited Neuropathy Consortium); PubMed 9633821 (cited by Labcorp Genetics (formerly Invitae), Labcorp); PubMed 11545686 (cited by Labcorp Genetics (formerly Invitae), Labcorp); PubMed 11835375 (cited by Labcorp Genetics (formerly Invitae), Labcorp); PubMed 12402337 (cited by Labcorp Genetics (formerly Invitae), Labcorp); PubMed 26310628 (cited by Labcorp Genetics (formerly Invitae), Labcorp).